The following is an entry in ClinVar:

ClinVar aggregate classification (germline): Pathogenic (1 of 4 stars; one submission).

Conditions:
Developmental and epileptic encephalopathy 6B. Also called: Developmental and epileptic encephalopathy 6B, non-Dravet. Identifiers: MedGen C5543353, MONDO:0030268, OMIM 619317.

Submission:

Breda Genetics srl
Classification: Pathogenic for Developmental and epileptic encephalopathy 6B. Last evaluated: 2022-06-17. Review status: criteria provided, single submitter. Criteria: ACMG Guidelines, 2015. Collection method: clinical testing. Allele origin: germline. Inheritance: Autosomal dominant inheritance. Affected: yes. Observed: 1 variant allele, 1 heterozygote.
Comment: The variant c.5476G>T (p.Glu1826*) in the SCN1A gene is reported as pathogenic in LOVD database v.3.0 (genomic variant: #0000345198). The variant creates a premature stop codon at amino acid position Glu1826 which is likely to result in a truncated protein or protein loss due to nonsense-mediated messenger decay (NMD). The variant falls within a hot spot region, where other nonsense and frameshift variants are reported ad pathogenic. There is no information on frequency in gnomAD or 1000 Genomes Project.

NM_001165963.4(SCN1A):c.5476G>T (p.Glu1826Ter)

Genes: SCN1A (sodium voltage-gated channel alpha subunit 1; minus strand), LOC102724058 (uncharacterized LOC102724058; plus strand). Cytogenetic location: 2q24.3.
Variant type: single nucleotide variant.
Coding change: c.5476G>T on transcript NM_001165963.4 (MANE Select); coding-DNA position 5476, G replaced by T.
Protein change: p.Glu1826Ter; replaces glutamic acid 1826 with a stop codon.
Molecular consequence: nonsense. On other transcripts: non-coding transcript variant (1).
Genome position (GRCh38, 1-based): chr2:165,991,799, C>A on the plus strand (G>T on the coding strand, the complement: SCN1A is on the minus strand). VCF-style: chr2-165991799-C-A. GRCh37 (hg19) VCF-style: chr2-166848309-C-A.
Other names: c.5392G>T, p.Glu1798Ter (NM_001165964.3, NM_001353957.2, NM_001353958.2); c.5476G>T, p.Glu1826Ter (NM_001202435.3, NM_001353948.2); c.5443G>T, p.Glu1815Ter (NM_001353949.2, NM_001353950.2, NM_001353951.2 and 2 more transcripts); c.5440G>T, p.Glu1814Ter (NM_001353954.2, NM_001353955.2); c.5389G>T, p.Glu1797Ter (NM_001353960.2); c.3034G>T, p.Glu1012Ter (NM_001353961.2); short protein forms E1012*, E1797*, E1798*, E1814*, E1815*, E1826*.
Identifiers: ClinVar variation 1711850 (VCV001711850.1), dbSNP rs1553520107, ClinGen allele CA349065899.